The following is an entry in ClinVar:

NM_004655.4(AXIN2):c.947A>G (p.Asp316Gly)

Gene: AXIN2 (axin 2; minus strand). Cytogenetic location: 17q24.1.
Variant type: single nucleotide variant.
Coding change: c.947A>G on transcript NM_004655.4 (MANE Select); coding-DNA position 947, A replaced by G.
Protein change: p.Asp316Gly; replaces aspartic acid 316 with glycine.
Molecular consequence: missense variant.
Genome position (GRCh38, 1-based): chr17:65,549,529, T>C on the plus strand (A>G on the coding strand, the complement: AXIN2 is on the minus strand). VCF-style: chr17-65549529-T-C. GRCh37 (hg19) VCF-style: chr17-63545647-T-C.
Other names: c.947A>G, p.Asp316Gly (NM_001363813.1); short protein forms D316G.
Identifiers: ClinVar variation 3470747 (VCV003470747.1).

ClinVar aggregate classification (germline): Uncertain significance (1 of 4 stars; one submission).

Conditions:
Hereditary cancer-predisposing syndrome. Also called: Tumor predisposition; Neoplastic Syndromes, Hereditary; Hereditary neoplastic syndrome; Hereditary Cancer Syndrome. Identifiers: Orphanet 140162, MedGen C0027672, MeSH D009386, MONDO:0015356.

Submission:

Ambry Genetics
Classification: Uncertain significance for Hereditary cancer-predisposing syndrome. Last evaluated: 2024-10-31. Review status: criteria provided, single submitter. Criteria: Ambry Variant Classification Scheme 2023. Collection method: clinical testing. Allele origin: germline.
Comment: The p.D316G variant (also known as c.947A>G), located in coding exon 2 of the AXIN2 gene, results from an A to G substitution at nucleotide position 947. The aspartic acid at codon 316 is replaced by glycine, an amino acid with similar properties. This amino acid position is conserved. In addition, this alteration is predicted to be deleterious by in silico analysis. Based on the available evidence, the clinical significance of this variant remains unclear.